The following is an entry in ClinVar:

NM_000179.3(MSH6):c.1084C>T (p.Pro362Ser)

Gene: MSH6 (mutS homolog 6; plus strand). Cytogenetic location: 2p16.3.
Variant type: single nucleotide variant.
Coding change: c.1084C>T on transcript NM_000179.3 (MANE Select); coding-DNA position 1084, C replaced by T.
Protein change: p.Pro362Ser; replaces proline 362 with serine.
Molecular consequence: missense variant.
Genome position (GRCh38, 1-based): chr2:47,799,067, C>T. VCF-style: chr2-47799067-C-T. GRCh37 (hg19) VCF-style: chr2-48026206-C-T.
Other names: c.694C>T, p.Pro232Ser (NM_001281492.2); c.178C>T, p.Pro60Ser (NM_001281493.2, NM_001281494.2, NM_001406811.1 and 6 more transcripts); c.1180C>T, p.Pro394Ser (NM_001406795.1, NM_001406802.1); c.1084C>T, p.Pro362Ser (NM_001406796.1, NM_001406798.1, NM_001406800.1 and 4 more transcripts); c.787C>T, p.Pro263Ser (NM_001406797.1, NM_001406801.1, NM_001406805.1 and 10 more transcripts); c.559C>T, p.Pro187Ser (NM_001406799.1, NM_001406806.1, NM_001406807.1); c.1006C>T, p.Pro336Ser (NM_001406804.1); c.1090C>T, p.Pro364Ser (NM_001406813.1); and 1 more; short protein forms P263S, P187S, P306S, P394S, P232S, P362S, P364S, P60S.
Identifiers: ClinVar variation 1787281 (VCV001787281.7), dbSNP rs2104318533, ClinGen allele CA346741814.

ClinVar aggregate classification (germline): Uncertain significance. Review status: criteria provided, multiple submitters, no conflicts (2 of 4 stars). 3 submissions from 3 submitters: Uncertain significance (3). Last evaluated 2025-11-04.

Conditions:
Hereditary nonpolyposis colorectal neoplasms. Identifiers: MedGen C0009405, MeSH D003123.
Hereditary cancer-predisposing syndrome. Also called: Neoplastic Syndromes, Hereditary; Tumor predisposition; Hereditary Cancer Syndrome; Hereditary neoplastic syndrome. Identifiers: Orphanet 140162, MedGen C0027672, MeSH D009386, MONDO:0015356.

Submissions (3):

Ambry Genetics
Classification: Uncertain significance for Hereditary cancer-predisposing syndrome. Last evaluated: 2025-11-04. Review status: criteria provided, single submitter. Criteria: Ambry Variant Classification Scheme 2023. Collection method: clinical testing. Allele origin: germline.
Comment: The p.P362S variant (also known as c.1084C>T), located in coding exon 4 of the MSH6 gene, results from a C to T substitution at nucleotide position 1084. The proline at codon 362 is replaced by serine, an amino acid with similar properties. This amino acid position is not well conserved in available vertebrate species. In addition, this alteration is predicted to be tolerated by in silico analysis. Since supporting evidence is limited at this time, the clinical significance of this alteration remains unclear.

Color Diagnostics, LLC DBA Color Health
Classification: Uncertain significance for Hereditary cancer-predisposing syndrome. Last evaluated: 2025-09-10. Review status: criteria provided, single submitter. Criteria: ACMG Guidelines, 2015. Collection method: clinical testing. Allele origin: germline.
Comment: This missense variant replaces proline with serine at codon 362 of the MSH6 protein. Computational prediction suggests that this variant may not impact protein structure and function. To our knowledge, functional studies have not been reported for this variant. This variant has been reported in an individual affected with endometrial cancer that was MSH6 negative on immunohistochemistry, but microsatellite stable (PMID: 32941469). This variant has not been identified in the general population by the Genome Aggregation Database (gnomAD). The available evidence is insufficient to determine the role of this variant in disease conclusively. Therefore, this variant is classified as a Variant of Uncertain Significance.

Labcorp Genetics (formerly Invitae), Labcorp
Classification: Uncertain significance for Hereditary nonpolyposis colorectal neoplasms. Last evaluated: 2024-01-09. Review status: criteria provided, single submitter. Criteria: Invitae Variant Classification Sherloc (09022015). Collection method: clinical testing. Allele origin: germline.
Comment: This sequence change replaces proline, which is neutral and non-polar, with serine, which is neutral and polar, at codon 362 of the MSH6 protein (p.Pro362Ser). This variant is not present in population databases (gnomAD no frequency). This variant has not been reported in the literature in individuals affected with MSH6-related conditions. ClinVar contains an entry for this variant (Variation ID: 1787281). Advanced modeling of protein sequence and biophysical properties (such as structural, functional, and spatial information, amino acid conservation, physicochemical variation, residue mobility, and thermodynamic stability) performed at Invitae indicates that this missense variant is not expected to disrupt MSH6 protein function with a negative predictive value of 95%. In summary, the available evidence is currently insufficient to determine the role of this variant in disease. Therefore, it has been classified as a Variant of Uncertain Significance.

Literature cited by the submitters: PubMed 32941469 (cited by Ambry Genetics and Color Diagnostics, LLC DBA Color Health).